The following is an entry in ClinVar:

NC_012920.1(MT-CO2):m.7796A>G

Gene: MT-CO2 (mitochondrially encoded cytochrome c oxidase II; plus strand).
Variant type: single nucleotide variant.
Genome position: chrM-7796-A-G.
Identifiers: ClinVar variation 692777 (VCV000692777.1), dbSNP rs1603221141, ClinGen allele CA414793774.
Genomic context (GRCh38, chrMT:7,796, plus strand): 5'-ACTAATACTAACATCTCAGACGCTCAGGAAATAGAAACCGTCTGAACTATCCTGCCCGCC[A>G]TCATCCTAGTCCTCATCGCCCTCCCATCCCTACGCATCCTTTACATAACAGACGAGGTCA-3'

ClinVar aggregate classification (germline): Likely benign (1 of 4 stars; one submission).

Conditions:
Leigh syndrome (NULS). Also called: Leigh's necrotizing encephalopathy; Leigh's disease; Leigh Syndrome (mtDNA deletion); Leigh Disease; Subacute necrotizing encephalopathy; Necrotizing encephalopathy infantile subacute of Leigh. Identifiers: Orphanet 506, MedGen C2931891, MONDO:0009723, OMIM 256000.

Submission:

Wong Mito Lab, Molecular and Human Genetics, Baylor College of Medicine
Classification: Likely benign for Leigh syndrome. Last evaluated: 2019-10-17. Review status: criteria provided, single submitter. Criteria: Modified ACMG Guidelines (Unpublished). Collection method: clinical testing. Allele origin: germline.
Comment: The NC_012920.1:m.7796A>G (YP_003024029.1:p.Ile71Val) variant in MTCO2 gene is interpretated to be a Likely Benign variant based on the modified ACMG guidelines (unpublished). This variant meets the following evidence codes: BS4, BP4